The following is an entry in ClinVar:

ClinVar aggregate classification (germline): Uncertain significance (1 of 4 stars; one submission).

Conditions:
Cardiomyopathy (CMYO). Also called: Cardiomyopathies. Identifiers: Orphanet 167848, MedGen C0878544, MONDO:0004994, HP:0001638. Inheritance: Various modes of inheritance.

Submission:

Color Diagnostics, LLC DBA Color Health
Classification: Uncertain significance for Cardiomyopathy. Last evaluated: 2019-07-11. Review status: criteria provided, single submitter. Criteria: ACMG Guidelines, 2015. Collection method: clinical testing. Allele origin: germline.
Comment: This variant cause a nucleotide substitution in intron 39 of the RYR2 gene. Splice site prediction tools suggest that this variant may create a new splice acceptor site. To our knowledge, functional studies have not been performed to investigate this prediction. This variant has been reported in individuals affected with cardiovascular disorders in the literature. This variant has not been identified in the general population by the Genome Aggregation Database (gnomAD). Available evidence is insufficient to determine the role of this variant in disease conclusively. Therefore, this variant is classified as a Variant of Uncertain Significance.

NM_001035.3(RYR2):c.6023-4C>G

Gene: RYR2 (ryanodine receptor 2; plus strand). Cytogenetic location: 1q43.
Variant type: single nucleotide variant.
Coding change: c.6023-4C>G on transcript NM_001035.3 (MANE Select); 4 bases into the intron before coding-DNA position 6023, C replaced by G.
Molecular consequence: intron variant.
Genome position (GRCh38, 1-based): chr1:237,625,657, C>G. VCF-style: chr1-237625657-C-G. GRCh37 (hg19) VCF-style: chr1-237788957-C-G.
Identifiers: ClinVar variation 922234 (VCV000922234.3), dbSNP rs1679570143, ClinGen allele CA1139656655.